The following is an entry in ClinVar:

NM_006885.4(ZFHX3):c.10542CGG[7] (p.Gly3527_Ser3528insGlyGly)

Genes: ZFHX3 (zinc finger homeobox 3; minus strand), ZFHX3-AS1 (ZFHX3 antisense RNA 1; plus strand). Cytogenetic location: 16q22.2.
Variant type: Microsatellite.
Coding change: c.10542CGG[7] on transcript NM_006885.4 (MANE Select); seven copies in a row of the 3-base unit CGG starting at c.10542; the reference has five copies in a row; two copies, 6 bases duplicated.
Protein change: p.Gly3527_Ser3528insGlyGly.
Genome position (GRCh38, 1-based): chr16:72,787,720-72,787,725, CCGCCG duplicated on the plus strand (CGGCGG on the coding strand, the reverse complement: ZFHX3 is on the minus strand); duplicating any 6 consecutive bases within chr16:72,787,720-72,787,736 gives the same sequence; the position shown is the placement nearest the transcript's 3' end. VCF-style (leftmost placement, unchanged base first): chr16-72787719-A-ACCGCCG. GRCh37 (hg19) VCF-style: chr16-72821618-A-ACCGCCG.
Other names: c.7800CGG[7], p.Gly2613_Ser2614insGlyGly (NM_001164766.2); c.10542CGG[7], p.Gly3527_Ser3528insGlyGly (NM_001386735.1).
Identifiers: ClinVar variation 3053773 (VCV003053773.6), dbSNP rs751575363, ClinGen allele CA496417063.

ClinVar aggregate classification (germline): Benign. Review status: criteria provided, single submitter (1 of 4 stars). 2 submissions from 2 submitters: Benign (1). 1 of the submissions does not count toward it. Last evaluated 2026-01-01.

Conditions:
ZFHX3-related disorder. Also called: ZFHX3-related condition.

Submissions (2):

CeGaT Center for Human Genetics Tuebingen
Classification: Benign. Last evaluated: 2026-01-01. Review status: criteria provided, single submitter. Criteria: CeGaT Center For Human Genetics Tuebingen Variant Classification Criteria Version 2. Collection method: clinical testing. Allele origin: germline. Affected: yes. Observed: 1 variant allele.
Comment: ZFHX3: BS1, BS2

PreventionGenetics, part of Exact Sciences
Classification: Likely benign for ZFHX3-related condition. Last evaluated: 2019-11-11. Review status: no assertion criteria provided. Collection method: clinical testing. Allele origin: germline. Not counted in ClinVar's aggregate classification.
Comment: This variant is classified as likely benign based on ACMG/AMP sequence variant interpretation guidelines (Richards et al. 2015 PMID: 25741868, with internal and published modifications).